The following is an entry in ClinVar:

NM_005732.4(RAD50):c.2021C>T (p.Thr674Ile)

Gene: RAD50 (RAD50 double strand break repair protein; plus strand). Cytogenetic location: 5q31.1.
Variant type: single nucleotide variant.
Coding change: c.2021C>T on transcript NM_005732.4 (MANE Select); coding-DNA position 2021, C replaced by T.
Protein change: p.Thr674Ile; replaces threonine 674 with isoleucine.
Molecular consequence: missense variant.
Genome position (GRCh38, 1-based): chr5:132,595,624, C>T. VCF-style: chr5-132595624-C-T. GRCh37 (hg19) VCF-style: chr5-131931316-C-T.
Other names: short protein forms T674I.
Identifiers: ClinVar variation 3312299 (VCV003312299.1).
Genomic context (GRCh38, chr5:132,595,624, plus strand): 5'-TTAAAATAGCCATGCTGGCTGGAGCCACAGCAGTTTACTCCCAGTTCATTACTCAGCTAA[C>T]AGACGAAAACCAGTCATGTTGCCCCGTTTGTCAGAGAGTTTTTCAGACAGAGGCTGAGTT-3'
Protein context (NP_005723.2, residues 664-684): AVYSQFITQL[Thr674Ile]DENQSCCPVC

ClinVar aggregate classification (germline): Uncertain significance (1 of 4 stars; one submission).

Conditions:
Hereditary cancer-predisposing syndrome. Also called: Neoplastic Syndromes, Hereditary; Tumor predisposition; Hereditary neoplastic syndrome; Hereditary Cancer Syndrome. Identifiers: Orphanet 140162, MedGen C0027672, MeSH D009386, MONDO:0015356.

Submission:

Ambry Genetics
Classification: Uncertain significance for Hereditary cancer-predisposing syndrome. Last evaluated: 2024-03-19. Review status: criteria provided, single submitter. Criteria: Ambry Variant Classification Scheme 2023. Collection method: clinical testing. Allele origin: germline.
Comment: The p.T674I variant (also known as c.2021C>T), located in coding exon 13 of the RAD50 gene, results from a C to T substitution at nucleotide position 2021. The threonine at codon 674 is replaced by isoleucine, an amino acid with similar properties. This amino acid position is conserved. In addition, this alteration is predicted to be tolerated by in silico analysis. Based on the available evidence, the clinical significance of this alteration remains unclear.